The following is an entry in ClinVar:

ClinVar aggregate classification (germline): Uncertain significance. Review status: criteria provided, multiple submitters, no conflicts (2 of 4 stars). 3 submissions from 3 submitters: Uncertain significance (3). Last evaluated 2025-09-16.

Conditions:
PLCG2-related disorder. Also called: PLCG2-related condition.
Autoinflammation-PLCG2-associated antibody deficiency-immune dysregulation. Also called: Autoinflammation, antibody deficiency, and immune dysregulation, plcg2-associated; Autoinflammation, antibody deficiency, and immune dysregulation syndrome; AUTOINFLAMMATION, ANTIBODY DEFICIENCY, AND IMMUNE DYSREGULATION. Identifiers: Orphanet 324530, MedGen C3553961, MONDO:0013944, OMIM 614878.
Familial cold autoinflammatory syndrome 3 (FCAS3). Also called: FAMILIAL ATYPICAL COLD URTICARIA; ANTIBODY DEFICIENCY AND IMMUNE DYSREGULATION, PLCG2-ASSOCIATED. Identifiers: Orphanet 300359, MedGen C3280914, MONDO:0013766, OMIM 614468.

Allele frequency attached by ClinVar (database versions not stated): ExAC 0.00002; gnomAD exomes 0.00002 and 0.00010; gnomAD 0.00003 and 0.00004; TOPMed 0.00005.
gnomAD v4.1: 148 of 1,610,638 alleles (0.0092%); highest among the groups gnomAD compares: Non-Finnish European, 0.012%; no homozygotes.

Submissions (3):

Labcorp Genetics (formerly Invitae), Labcorp
Classification: Uncertain significance for Familial cold autoinflammatory syndrome 3. Last evaluated: 2025-09-16. Review status: criteria provided, single submitter. Criteria: Invitae Variant Classification Sherloc (09022015). Collection method: clinical testing. Allele origin: germline.
Comment: This sequence change replaces asparagine, which is neutral and polar, with aspartic acid, which is acidic and polar, at codon 1097 of the PLCG2 protein (p.Asn1097Asp). This variant is present in population databases (rs771322094, gnomAD 0.005%). This variant has not been reported in the literature in individuals affected with PLCG2-related conditions. ClinVar contains an entry for this variant (Variation ID: 1023072). An algorithm developed to predict the effect of missense changes on protein structure and function (PolyPhen-2) suggests that this variant is likely to be tolerated. In summary, the available evidence is currently insufficient to determine the role of this variant in disease. Therefore, it has been classified as a Variant of Uncertain Significance.

PreventionGenetics, part of Exact Sciences
Classification: Uncertain significance for PLCG2-related condition. Last evaluated: 2025-01-15. Review status: criteria provided, single submitter. Criteria: ACMG Guidelines, 2015. Collection method: clinical testing. Allele origin: germline.
Comment: The PLCG2 c.3289A>G variant is predicted to result in the amino acid substitution p.Asn1097Asp. This variant has been reported with moderate disease impact in adults of European ancestry with Alzheimer disease (eTable 4, Patel et al. 2019. PubMed ID: 30924900). This variant is reported in 0.0047% of alleles in individuals of European (Non-Finnish) descent in gnomAD. At this time, the clinical significance of this variant is uncertain due to the absence of conclusive functional and genetic evidence.

Fulgent Genetics
Classification: Uncertain significance for Familial cold autoinflammatory syndrome 3; Autoinflammation-PLCG2-associated antibody deficiency-immune dysregulation. Last evaluated: 2022-05-18. Review status: criteria provided, single submitter. Criteria: ACMG Guidelines, 2015. Collection method: clinical testing. Allele origin: unknown.

NM_002661.5(PLCG2):c.3289A>G (p.Asn1097Asp)

Gene: PLCG2 (phospholipase C gamma 2; plus strand). Cytogenetic location: 16q23.3.
Variant type: single nucleotide variant.
Coding change: c.3289A>G on transcript NM_002661.5 (MANE Select); coding-DNA position 3289, A replaced by G.
Protein change: p.Asn1097Asp; replaces asparagine 1097 with aspartic acid.
Molecular consequence: missense variant.
Genome position (GRCh38, 1-based): chr16:81,938,891, A>G. VCF-style: chr16-81938891-A-G. GRCh37 (hg19) VCF-style: chr16-81972496-A-G.
Other names: c.3289A>G (NM_002661.4); short protein forms N1097D.
Identifiers: ClinVar variation 1023072 (VCV001023072.9), dbSNP rs771322094, ClinGen allele CA8194658.
Genomic context (GRCh38, chr16:81,938,891, plus strand): 5'-GGACGAAGTATTGCCTGTCCCTTTGTAGAAGTGGAGATCTGTGGAGCCGAGTATGACAAC[A>G]ACAAGTTCAAGACGACGGTTGTGAGTAAGTCAGTCACCTTGGCCCCTCTGCTTTTAAACG-3'
Protein context (NP_002652.2, residues 1087-1107): VEICGAEYDN[Asn1097Asp]KFKTTVVNDN